The following is an entry in ClinVar:

NM_003002.4(SDHD):c.173G>T (p.Gly58Val)

Gene: SDHD (succinate dehydrogenase complex subunit D; plus strand). Cytogenetic location: 11q23.1.
Variant type: single nucleotide variant.
Coding change: c.173G>T on transcript NM_003002.4 (MANE Select); coding-DNA position 173, G replaced by T.
Protein change: p.Gly58Val; replaces glycine 58 with valine.
Molecular consequence: missense variant. On other transcripts: non-coding transcript variant (1), intron variant (1).
Genome position (GRCh38, 1-based): chr11:112,088,870, G>T. VCF-style: chr11-112088870-G-T. GRCh37 (hg19) VCF-style: chr11-111959594-G-T.
Other names: c.173G>T (NM_003002.2); c.56G>T, p.Gly19Val (NM_001276504.2); c.173G>T, p.Gly58Val (NM_001276506.2); c.169+897G>T (NM_001276503.2); short protein forms G19V, G58V.
Identifiers: ClinVar variation 3075559 (VCV003075559.2), dbSNP rs2135269144, ClinGen allele CA382617158.

ClinVar aggregate classification (germline): Uncertain significance. Review status: criteria provided, multiple submitters, no conflicts (2 of 4 stars). 2 submissions from 2 submitters: Uncertain significance (2). Last evaluated 2025-11-05.

Conditions:
Hereditary cancer-predisposing syndrome. Also called: Hereditary neoplastic syndrome; Neoplastic Syndromes, Hereditary; Tumor predisposition; Hereditary Cancer Syndrome. Identifiers: Orphanet 140162, MedGen C0027672, MeSH D009386, MONDO:0015356.
Hereditary pheochromocytoma and paraganglioma. Also called: Hereditary pheochromocytoma-paraganglioma; Hereditary Paraganglioma-Pheochromocytoma Syndromes; Hereditary paragangliomas and pheochromocytomas. Identifiers: Orphanet 29072, MedGen C4274332, MONDO:0017366.

Submissions (2):

Ambry Genetics
Classification: Uncertain significance for Hereditary cancer-predisposing syndrome. Last evaluated: 2025-11-05. Review status: criteria provided, single submitter. Criteria: Ambry Variant Classification Scheme 2023. Collection method: clinical testing. Allele origin: germline.
Comment: The p.G58V variant (also known as c.173G>T), located in coding exon 3 of the SDHD gene, results from a G to T substitution at nucleotide position 173. The glycine at codon 58 is replaced by valine, an amino acid with dissimilar properties. This amino acid position is conserved. In addition, the in silico prediction for this alteration is inconclusive. Based on the available evidence, the clinical significance of this variant remains unclear.

All of Us Research Program, National Institutes of Health
Classification: Uncertain significance for Hereditary pheochromocytoma and paraganglioma. Last evaluated: 2023-07-19. Review status: criteria provided, single submitter. Criteria: ACMG Guidelines, 2015. Collection method: clinical testing. Allele origin: germline. Inheritance: Autosomal dominant inheritance. Observed: 1 variant allele, 1 heterozygote.
Comment: This missense variant replaces glycine with valine at codon 58 of the SDHD protein. Computational prediction suggests that this variant may have deleterious impact on protein structure and function (internally defined REVEL score threshold >= 0.7, PMID: 27666373). To our knowledge, functional studies have not been reported for this variant. This variant has not been reported in individuals affected with SDHD-related disorders in the literature. This variant has not been identified in the general population by the Genome Aggregation Database (gnomAD). The available evidence is insufficient to determine the role of this variant in disease conclusively. Therefore, this variant is classified as a Variant of Uncertain Significance.

This study involves interpretation of variants in research participants for the purpose of population health screening. Participant phenotype was not available at the time of variant classification. Additional details can be found in publication PMID: 35346344, PMCID: PMC8962531